The following is an entry in ClinVar:

ClinVar aggregate classification (germline): Likely pathogenic. Review status: criteria provided, single submitter (1 of 4 stars). 2 submissions from 2 submitters: Likely pathogenic (1). 1 of the submissions does not count toward it. Last evaluated 2024-10-02.

Conditions:
Neuronopathy, distal hereditary motor, autosomal dominant. Also called: Autosomal dominant distal hereditary motor neuropathy. Identifiers: Orphanet 140465, MedGen C5548212, MONDO:0015362.
Autosomal recessive distal spinal muscular atrophy 1. Also called: NEURONOPATHY, SEVERE INFANTILE AXONAL, WITH RESPIRATORY FAILURE; SEVERE INFANTILE AXONAL NEUROPATHY WITH RESPIRATORY FAILURE; SPINAL MUSCULAR ATROPHY, DIAPHRAGMATIC; Spinal muscular atrophy with respiratory distress 1; HMN VI; NEURONOPATHY, DISTAL HEREDITARY MOTOR, HARDING TYPE VI. Identifiers: Orphanet 98920, MedGen C1858517, MONDO:0011436, OMIM 604320.

Submissions (2):

Women's Health and Genetics/Laboratory Corporation of America, LabCorp
Classification: Likely pathogenic for Autosomal recessive distal spinal muscular atrophy 1. Last evaluated: 2024-10-02. Review status: criteria provided, single submitter. Criteria: LabCorp Variant Classification Summary - May 2015. Collection method: clinical testing. Allele origin: germline.
Comment: Variant summary: IGHMBP2 c.1794C>A (p.Asn598Lys) results in a non-conservative amino acid change located in the DNA2/NAM7 helicase-like, C-terminal domain (IPR041679) of the encoded protein sequence. Five of five in-silico tools predict a damaging effect of the variant on protein function. The variant was absent in 251068 control chromosomes (gnomAD). c.1794C>A has been reported in the literature in individuals affected with Autosomal recessive distal spinal muscular atrophy 1 (Jedrzejowska_2014), and they were reported as compound heterozygous with a pathogenic variant. It was also found in Charcot-Marie-Tooth disease patients who were compound heterozygous with a likely benign variant (Shi_2015). These data indicate that the variant may be associated with disease. At least one publication reports experimental evidence evaluating an impact on protein function, finding that the variant resulted in a loss of function of the protein (Rzepnikowska_2022). The following publications have been ascertained in the context of this evaluation (PMID: 24388491, 26136520, 36077311). ClinVar contains an entry for this variant (Variation ID: 637268). Based on the evidence outlined above, the variant was classified as likely pathogenic.

Inherited Neuropathy Consortium
Classification: Uncertain significance for Autosomal dominant distal hereditary motor neuropathy. Review status: no assertion criteria provided. Collection method: literature only. Allele origin: germline. Affected: yes. Not counted in ClinVar's aggregate classification.

Literature cited by the submitters: PubMed 24388491 (cited by Women's Health and Genetics/Laboratory Corporation of America, LabCorp and Inherited Neuropathy Consortium); PubMed 36077311 (cited by Women's Health and Genetics/Laboratory Corporation of America, LabCorp); PubMed 26136520 (cited by Women's Health and Genetics/Laboratory Corporation of America, LabCorp).

NM_002180.3(IGHMBP2):c.1794C>A (p.Asn598Lys)

Gene: IGHMBP2 (immunoglobulin mu DNA binding protein 2; plus strand). Cytogenetic location: 11q13.3.
Variant type: single nucleotide variant.
Coding change: c.1794C>A on transcript NM_002180.3 (MANE Select); coding-DNA position 1794, C replaced by A.
Protein change: p.Asn598Lys; replaces asparagine 598 with lysine.
Molecular consequence: missense variant.
Genome position (GRCh38, 1-based): chr11:68,936,274, C>A. VCF-style: chr11-68936274-C-A. GRCh37 (hg19) VCF-style: chr11-68703742-C-A.
Other names: short protein forms N598K.
Identifiers: ClinVar variation 637268 (VCV000637268.2), dbSNP rs1337346956, ClinGen allele CA381651545.
Genomic context (GRCh38, chr11:68,936,274, plus strand): 5'-CACTCCCCTCTGGCCTTTTGTAGGTGAAGTTGGTTTTCTTGCTGAGGACCGGAGGATCAA[C>A]GTGGCTGTCACCCGTGCCCGACGCCACGTGGCGGTCATCTGTGACTCCCGTACTGTCAAC-3'
Protein context (NP_002171.2, residues 588-608): VGFLAEDRRI[Asn598Lys]VAVTRARRHV